The following is an entry in ClinVar:

NM_000238.4(KCNH2):c.292_293delinsGC (p.Phe98Ala)

Gene: KCNH2 (potassium voltage-gated channel subfamily H member 2; minus strand). Cytogenetic location: 7q36.1.
Variant type: Indel.
Coding change: c.292_293delinsGC on transcript NM_000238.4 (MANE Select); coding-DNA positions 292 to 293, TT replaced by GC.
Protein change: p.Phe98Ala; replaces phenylalanine 98 with alanine.
Molecular consequence: missense variant. On other transcripts: non-coding transcript variant (1).
Genome position (GRCh38, 1-based): chr7:150,974,725-150,974,726, AA replaced by GC on the plus strand (TT replaced by GC on the coding strand, the reverse complement: KCNH2 is on the minus strand). VCF-style: chr7-150974725-AA-GC. GRCh37 (hg19) VCF-style: chr7-150671813-AA-GC.
Other names: c.115_116delinsGC, p.Phe39Ala (NM_001406755.1); c.292_293delinsGC, p.Phe98Ala (NM_172056.3); short protein forms F39A, F98A.
Identifiers: ClinVar variation 2767870 (VCV002767870.3), dbSNP rs2486155166, ClinGen allele CA2697549693.

ClinVar aggregate classification (germline): Uncertain significance (1 of 4 stars; one submission).

Conditions:
Long QT syndrome (LQTS). Identifiers: MedGen C0023976, MeSH D008133, MONDO:0002442. Disease mechanism: loss of function. Inheritance: Various modes of inheritance.

Submission:

Labcorp Genetics (formerly Invitae), Labcorp
Classification: Uncertain significance for Long QT syndrome. Last evaluated: 2023-12-01. Review status: criteria provided, single submitter. Criteria: Invitae Variant Classification Sherloc (09022015). Collection method: clinical testing. Allele origin: germline.
Comment: This sequence change replaces phenylalanine, which is neutral and non-polar, with alanine, which is neutral and non-polar, at codon 98 of the KCNH2 protein (p.Phe98Ala). Information on the frequency of this variant in the gnomAD database is not available, as this variant may be reported differently in the database. This variant has not been reported in the literature in individuals affected with KCNH2-related conditions. An algorithm developed to predict the effect of missense changes on protein structure and function (PolyPhen-2) suggests that this variant is likely to be disruptive. In summary, the available evidence is currently insufficient to determine the role of this variant in disease. Therefore, it has been classified as a Variant of Uncertain Significance.